The following is an entry in ClinVar:

NM_018451.5(CPAP):c.3413C>T (p.Pro1138Leu)

Genes: CPAP (centrosome assembly and centriole elongation protein; minus strand), RNF17 (ring finger protein 17; plus strand). Cytogenetic location: 13q12.12.
Variant type: single nucleotide variant.
Coding change: c.3413C>T on transcript NM_018451.5 (MANE Select); coding-DNA position 3413, C replaced by T.
Protein change: p.Pro1138Leu; replaces proline 1138 with leucine.
Molecular consequence: missense variant. On other transcripts: non-coding transcript variant (2).
Genome position (GRCh38, 1-based): chr13:24,885,340, G>A on the plus strand (C>T on the coding strand, the complement: CPAP is on the minus strand). VCF-style: chr13-24885340-G-A. GRCh37 (hg19) VCF-style: chr13-25459478-G-A.
Other names: c.3413C>T (NM_018451.3); short protein forms P1138L.
Identifiers: ClinVar variation 1925285 (VCV001925285.6), dbSNP rs748214176, ClinGen allele CA6919290.

ClinVar aggregate classification (germline): Uncertain significance. Review status: criteria provided, multiple submitters, no conflicts (2 of 4 stars). 2 submissions from 2 submitters: Uncertain significance (2). Last evaluated 2024-05-30.

Conditions:
Inborn genetic diseases. Identifiers: MedGen C0950123, MeSH D030342.

Allele frequency attached by ClinVar (database versions not stated): gnomAD 0.00001; gnomAD exomes 0.00001; TOPMed 0.00001; ExAC 0.00001.
gnomAD v4.1: 10 of 1,613,722 alleles (0.00062%); highest among the groups gnomAD compares: Non-Finnish European, 0.00085%; no homozygotes.

Submissions (2):

Ambry Genetics
Classification: Uncertain significance for Inborn genetic diseases. Last evaluated: 2024-05-30. Review status: criteria provided, single submitter. Criteria: Ambry Variant Classification Scheme 2023. Collection method: clinical testing. Allele origin: germline.

Labcorp Genetics (formerly Invitae), Labcorp
Classification: Uncertain significance. Last evaluated: 2022-03-31. Review status: criteria provided, single submitter. Criteria: Invitae Variant Classification Sherloc (09022015). Collection method: clinical testing. Allele origin: germline.
Comment: This sequence change replaces proline, which is neutral and non-polar, with leucine, which is neutral and non-polar, at codon 1138 of the CENPJ protein (p.Pro1138Leu). This variant is present in population databases (rs748214176, gnomAD 0.002%). This variant has not been reported in the literature in individuals affected with CENPJ-related conditions. Algorithms developed to predict the effect of missense changes on protein structure and function output the following: SIFT: "Tolerated"; PolyPhen-2: "Benign"; Align-GVGD: "Class C0". The leucine amino acid residue is found in multiple mammalian species, which suggests that this missense change does not adversely affect protein function. In summary, the available evidence is currently insufficient to determine the role of this variant in disease. Therefore, it has been classified as a Variant of Uncertain Significance.